The following is an entry in ClinVar:

ClinVar aggregate classification (germline): Uncertain significance. Review status: criteria provided, multiple submitters, no conflicts (2 of 4 stars). 2 submissions from 2 submitters: Uncertain significance (2). Last evaluated 2026-07-06.

Conditions:
Wilson disease (WND). Also called: Wilson's disease. Identifiers: Orphanet 905, MedGen C0019202, MONDO:0010200, OMIM 277900. Disease mechanism: loss of function.
Inborn genetic diseases. Identifiers: MedGen C0950123, MeSH D030342.

gnomAD v4.1: 2 of 1,614,022 alleles (0.00012%); highest among the groups gnomAD compares: Non-Finnish European, 0.00017%; no homozygotes.

Submissions (2):

Ambry Genetics
Classification: Uncertain significance for Inborn genetic diseases. Last evaluated: 2026-07-06. Review status: criteria provided, single submitter. Criteria: Ambry Variant Classification Scheme 2023. Collection method: clinical testing. Allele origin: germline.
Comment: The p.E276D variant (also known as c.828A>C), located in coding exon 2 of the ATP7B gene, results from an A to C substitution at nucleotide position 828. The glutamic acid at codon 276 is replaced by aspartic acid, an amino acid with highly similar properties. This amino acid position is conserved. In addition, the in silico prediction for this alteration is inconclusive. Based on the available evidence, the clinical significance of this variant remains unclear.

Color Diagnostics, LLC DBA Color Health
Classification: Uncertain significance for Wilson disease. Last evaluated: 2023-07-26. Review status: criteria provided, single submitter. Criteria: ACMG Guidelines, 2015. Collection method: clinical testing. Allele origin: germline.
Comment: This missense variant replaces glutamic acid with aspartic acid at codon 276 of the ATP7B protein. Computational prediction is inconclusive regarding the impact of this variant on protein structure and function (internally defined REVEL score threshold 0.5 < inconclusive < 0.7, PMID: 27666373). To our knowledge, functional studies have not been reported for this variant. This variant has not been reported in individuals affected with ATP7B-related disorders in the literature. This variant has been identified in 1/247864 chromosomes in the general population by the Genome Aggregation Database (gnomAD). The available evidence is insufficient to determine the role of this variant in disease conclusively. Therefore, this variant is classified as a Variant of Uncertain Significance.

NM_000053.4(ATP7B):c.828A>C (p.Glu276Asp)

Gene: ATP7B (ATPase copper transporting beta; minus strand). Cytogenetic location: 13q14.3.
Variant type: single nucleotide variant.
Coding change: c.828A>C on transcript NM_000053.4 (MANE Select); coding-DNA position 828, A replaced by C.
Protein change: p.Glu276Asp; replaces glutamic acid 276 with aspartic acid.
Molecular consequence: missense variant. On other transcripts: intron variant (2).
Genome position (GRCh38, 1-based): chr13:51,974,392, T>G on the plus strand (A>C on the coding strand, the complement: ATP7B is on the minus strand). VCF-style: chr13-51974392-T-G. GRCh37 (hg19) VCF-style: chr13-52548528-T-G.
Other names: c.828A>C, p.Glu276Asp (NM_001005918.3, NM_001330578.2, NM_001406527.1 and 29 more transcripts); c.732A>C, p.Glu244Asp (NM_001406530.1, NM_001406536.1, NM_001406517.1 and 3 more transcripts); c.828A>C (NM_000053.3); c.802+26A>C (NM_001243182.2); c.706+26A>C (NM_001406539.1); short protein forms E244D, E276D.
Identifiers: ClinVar variation 3894369 (VCV003894369.2).